The following is an entry in ClinVar:

ClinVar aggregate classification (germline): Pathogenic (1 of 4 stars; one submission).

Submission:

GeneDx
Classification: Pathogenic. Last evaluated: 2017-11-10. Review status: criteria provided, single submitter. Criteria: GeneDx Variant Classification (06012015). Collection method: clinical testing. Allele origin: germline. Affected: yes.
Comment: The G245X nonsense variant in the EHMT1 gene is predicted to cause loss of normal protein function either through protein truncation or nonsense-mediated mRNA decay. The G245X variant is not observed in large population cohorts (Lek et al., 2016).

NM_024757.5(EHMT1):c.733G>T (p.Gly245Ter)

Gene: EHMT1 (euchromatic histone lysine methyltransferase 1; plus strand). Cytogenetic location: 9q34.3.
Variant type: single nucleotide variant.
Coding change: c.733G>T on transcript NM_024757.5 (MANE Select); coding-DNA position 733, G replaced by T.
Protein change: p.Gly245Ter; replaces glycine 245 with a stop codon.
Molecular consequence: nonsense.
Genome position (GRCh38, 1-based): chr9:137,728,439, G>T. VCF-style: chr9-137728439-G-T. GRCh37 (hg19) VCF-style: chr9-140622891-G-T.
Other names: c.733G>T, p.Gly245Ter (NM_001145527.2, NM_001354263.2, NM_001354611.2); c.640G>T, p.Gly214Ter (NM_001354259.2, NM_001354612.2); short protein forms G245*, G214*.
Identifiers: ClinVar variation 489126 (VCV000489126.2), dbSNP rs1554852648, ClinGen allele CA375772063.